The following is an entry in ClinVar:

NM_145261.4(DNAJC19):c.280+1_280+5del

Gene: DNAJC19 (DnaJ heat shock protein family (Hsp40) member C19; minus strand). Cytogenetic location: 3q26.33.
Variant type: Deletion.
Coding change: c.280+1_280+5del on transcript NM_145261.4 (MANE Select); the canonical splice donor site of the intron after coding-DNA position 280 through 5 bases into the intron after coding-DNA position 280, 5 bases deleted (GTAAG; older notation c.280+1_280+5delGTAAG).
Molecular consequence: splice donor variant.
Genome position (GRCh38, 1-based): chr3:180,985,921-180,985,925, CTTAC deleted on the plus strand (GTAAG on the coding strand, the reverse complement: DNAJC19 is on the minus strand); deleting any 5 consecutive bases within chr3:180,985,921-180,985,928 gives the same sequence; the c. name uses the placement nearest the transcript's 3' end. VCF-style (leftmost placement, unchanged base first): chr3-180985920-ACTTAC-A. GRCh37 (hg19) VCF-style: chr3-180703708-ACTTAC-A.
Other names: c.205+1_205+5del (NM_001190233.2).
Identifiers: ClinVar variation 2717499 (VCV002717499.5), dbSNP rs753055824, ClinGen allele CA2717070.

ClinVar aggregate classification (germline): Likely pathogenic. Review status: criteria provided, multiple submitters, no conflicts (2 of 4 stars). 3 submissions from 3 submitters: Likely pathogenic (3). Last evaluated 2026-01-07.

Conditions:
3-methylglutaconic aciduria type 5. Also called: CARDIOMYOPATHY, DILATED, WITH ATAXIA; 3 alpha methylglutaconic aciduria type V; MGA 5; MGA, TYPE V. Identifiers: Orphanet 66634, MedGen C1857776, MONDO:0012435, OMIM 610198.
DNAJC19-related disorder. Also called: DNAJC19-related condition.

Submissions (3):

3billion
Classification: Likely pathogenic for 3-methylglutaconic aciduria type 5. Last evaluated: 2026-01-07. Review status: criteria provided, single submitter. Criteria: ACMG Guidelines, 2015. Collection method: clinical testing. Allele origin: germline. Affected: yes.
Comment: The variant is observed at an extremely low frequency in the gnomAD v4.1.0 dataset (total allele frequency: <0.001%). Predicted Consequence/Location: Canonical splice site: predicted to alter splicing and result in a loss or disruption of normal protein function. The predicted truncated protein may be shortened by less than 10%. In silico tools predict the variant to alter splicing and produce an abnormal transcript [SpliceAI: 1.00 (spliceogenicity >=0.2, non-spliceogenicity <0.1)]. The variant has been reported to be in trans with a pathogenic variant as either compound heterozygous or homozygous in at least one similarly affected unrelated individual (PMID: 28771251). The variant has been reported to be associated with DNAJC19-related disorder (ClinVar ID: VCV002717499 /PMID: 27426421). Therefore, this variant is classified as Likely pathogenic according to the recommendation of ACMG/AMP guideline.

Labcorp Genetics (formerly Invitae), Labcorp
Classification: Likely pathogenic for 3-methylglutaconic aciduria type 5. Last evaluated: 2023-10-17. Review status: criteria provided, single submitter. Criteria: Invitae Variant Classification Sherloc (09022015). Collection method: clinical testing. Allele origin: germline.
Comment: This sequence change affects a splice site in intron 5 of the DNAJC19 gene. It is expected to disrupt RNA splicing. Variants that disrupt the donor or acceptor splice site typically lead to a loss of protein function (PMID: 16199547), and loss-of-function variants in DNAJC19 are known to be pathogenic (PMID: 16055927, 27928778). This variant is present in population databases (rs753055824, gnomAD 0.0009%). Disruption of this splice site has been observed in individual(s) with clinical features of 3-Methylglutaconic aciduria type V (PMID: 27426421, 28771251). Algorithms developed to predict the effect of sequence changes on RNA splicing suggest that this variant may disrupt the consensus splice site. In summary, the currently available evidence indicates that the variant is pathogenic, but additional data are needed to prove that conclusively. Therefore, this variant has been classified as Likely Pathogenic.

Blueprint Genetics
Classification: Likely pathogenic for DNAJC19-related disorders. Last evaluated: 2018-02-08. Review status: criteria provided, single submitter. Criteria: ACMG Guidelines, 2015. Collection method: clinical testing. Allele origin: germline. Affected: yes. Observed: 1 variant allele.

Literature cited by the submitters: PubMed 27426421 (cited by 3billion and Labcorp Genetics (formerly Invitae), Labcorp); PubMed 28771251 (cited by 3billion and Labcorp Genetics (formerly Invitae), Labcorp); PubMed 16199547 (cited by Labcorp Genetics (formerly Invitae), Labcorp); PubMed 16055927 (cited by Labcorp Genetics (formerly Invitae), Labcorp); PubMed 27928778 (cited by Labcorp Genetics (formerly Invitae), Labcorp).